The following is an entry in ClinVar:

ClinVar aggregate classification (germline): Uncertain significance. Review status: criteria provided, multiple submitters, no conflicts (2 of 4 stars). 2 submissions from 2 submitters: Uncertain significance (2). Last evaluated 2022-04-23.

Conditions:
Inborn genetic diseases. Identifiers: MedGen C0950123, MeSH D030342.

Allele frequency attached by ClinVar (database versions not stated): gnomAD exomes 0.00001; ExAC 0.00002; gnomAD 0.00002; TOPMed 0.00005.
gnomAD v4.1: 21 of 1,612,580 alleles (0.0013%); highest among the groups gnomAD compares: African/African-American, 0.013%; no homozygotes.

Submissions (2):

Labcorp Genetics (formerly Invitae), Labcorp
Classification: Uncertain significance. Last evaluated: 2022-04-23. Review status: criteria provided, single submitter. Criteria: Invitae Variant Classification Sherloc (09022015). Collection method: clinical testing. Allele origin: germline.
Comment: This sequence change replaces proline, which is neutral and non-polar, with leucine, which is neutral and non-polar, at codon 936 of the COL27A1 protein (p.Pro936Leu). The frequency data for this variant in the population databases is considered unreliable, as metrics indicate poor data quality at this position in the gnomAD database. This variant has not been reported in the literature in individuals affected with COL27A1-related conditions. Advanced modeling of protein sequence and biophysical properties (such as structural, functional, and spatial information, amino acid conservation, physicochemical variation, residue mobility, and thermodynamic stability) performed at Invitae indicates that this missense variant is not expected to disrupt COL27A1 protein function. In summary, the available evidence is currently insufficient to determine the role of this variant in disease. Therefore, it has been classified as a Variant of Uncertain Significance.

Ambry Genetics
Classification: Uncertain significance for Inborn genetic diseases. Last evaluated: 2021-07-20. Review status: criteria provided, single submitter. Criteria: Ambry Variant Classification Scheme 2023. Collection method: clinical testing. Allele origin: germline.

NM_032888.4(COL27A1):c.2807C>T (p.Pro936Leu)

Gene: COL27A1 (collagen type XXVII alpha 1 chain; plus strand). Cytogenetic location: 9q32.
Variant type: single nucleotide variant.
Coding change: c.2807C>T on transcript NM_032888.4 (MANE Select); coding-DNA position 2807, C replaced by T.
Protein change: p.Pro936Leu; replaces proline 936 with leucine.
Molecular consequence: missense variant.
Genome position (GRCh38, 1-based): chr9:114,240,459, C>T. VCF-style: chr9-114240459-C-T. GRCh37 (hg19) VCF-style: chr9-117002739-C-T.
Other names: c.2807C>T (NM_032888.2); short protein forms P936L.
Identifiers: ClinVar variation 2143090 (VCV002143090.2), dbSNP rs764037280, ClinGen allele CA5202081.
Genomic context (GRCh38, chr9:114,240,459, plus strand): 5'-CCTCTGAGACTCCCTTTTTGTTCCCTTCTCCCCAGGGTAAGCCTGGAGCCCGAGGCCTGC[C>T]GGGACCCCGTGGGCAGCTGGGGCCCGAGGTGAGACTGTCTGGCCCCCTCCACTGCCCATC-3'
Protein context (NP_116277.2, residues 926-946): MKGKPGARGL[Pro936Leu]GPRGQLGPEG